The following is an entry in ClinVar:

ClinVar aggregate classification (germline): Pathogenic (1 of 4 stars; one submission).

Conditions:
Pontocerebellar hypoplasia type 1A (PCH1A). Also called: PONTOCEREBELLAR HYPOPLASIA WITH ANTERIOR HORN CELL DISEASE; PONTOCEREBELLAR HYPOPLASIA WITH INFANTILE SPINAL MUSCULAR ATROPHY. Identifiers: Orphanet 2254, Orphanet 88616, MedGen C1843504, MONDO:0011866, OMIM 607596.

Submission:

Myriad Genetics, Inc.
Classification: Pathogenic for Pontocerebellar hypoplasia type 1A. Last evaluated: 2024-05-14. Review status: criteria provided, single submitter. Criteria: Myriad Autosomal Dominant, Autosomal Recessive and X-Linked Classification Criteria (2023). Collection method: clinical testing. Allele origin: unknown.
Comment: NM_003384.2(VRK1):c.278_279del2ins18(P93Lfs*7) is expected to be pathogenic in the context of pontocerebellar hypoplasia, VRK1-related. This variant is predicted to lead to an abnormal or absent protein product due to the creation of a premature termination codon in VRK1, a gene where loss-of-function variants are known to be pathogenic. Please note: this variant was assessed in the context of healthy population screening.

NM_003384.3(VRK1):c.278_279delinsTGTCTCTTATACACATCT (p.Pro93fs)

Gene: VRK1 (VRK serine/threonine kinase 1; plus strand). Cytogenetic location: 14q32.2.
Variant type: Indel.
Coding change: c.278_279delinsTGTCTCTTATACACATCT on transcript NM_003384.3 (MANE Select); coding-DNA positions 278 to 279, CA replaced by TGTCTCTTATACACATCT.
Protein change: p.Pro93fs; shifts the reading frame from proline 93.
Molecular consequence: frameshift variant.
Genome position (GRCh38, 1-based): chr14:96,846,156-96,846,157, CA replaced by TGTCTCTTATACACATCT. VCF-style: chr14-96846156-CA-TGTCTCTTATACACATCT. GRCh37 (hg19) VCF-style: chr14-97312493-CA-TGTCTCTTATACACATCT.
Other names: c.278_279delinsTGTCTCTTATACACATCT, p.Pro93fs (NM_001411051.1, NM_001411053.1); short protein forms P93fs.
Identifiers: ClinVar variation 5010542 (VCV005010542.1).